The following is an entry in ClinVar:

ClinVar aggregate classification (germline): Uncertain significance (1 of 4 stars; one submission).

Allele frequency attached by ClinVar (database versions not stated): gnomAD exomes below 0.00001.

Submission:

Labcorp Genetics (formerly Invitae), Labcorp
Classification: Uncertain significance. Last evaluated: 2023-11-13. Review status: criteria provided, single submitter. Criteria: Invitae Variant Classification Sherloc (09022015). Collection method: clinical testing. Allele origin: germline.
Comment: This sequence change creates a premature translational stop signal (p.Leu2142Ilefs*5) in the RP1 gene. While this is not anticipated to result in nonsense mediated decay, it is expected to disrupt the last 15 amino acid(s) of the RP1 protein. This variant is not present in population databases (gnomAD no frequency). This variant has not been reported in the literature in individuals affected with RP1-related conditions. ClinVar contains an entry for this variant (Variation ID: 632524). Experimental studies and prediction algorithms are not available or were not evaluated, and the functional significance of this variant is currently unknown. In summary, the available evidence is currently insufficient to determine the role of this variant in disease. Therefore, it has been classified as a Variant of Uncertain Significance.

NM_006269.2(RP1):c.6423dup (p.Leu2142fs)

Gene: RP1 (RP1 axonemal microtubule associated; plus strand). Cytogenetic location: 8q12.1.
Variant type: Duplication.
Coding change: c.6423dup on transcript NM_006269.2 (MANE Select); coding-DNA position 6423, one base duplicated (A; older notation c.6423dupA).
Protein change: p.Leu2142fs; shifts the reading frame from leucine 2142.
Molecular consequence: frameshift variant.
Genome position (GRCh38, 1-based): chr8:54,630,305, A duplicated. VCF-style (leftmost placement, unchanged base first): chr8-54630304-T-TA. GRCh37 (hg19) VCF-style: chr8-55542864-T-TA.
Other names: short protein forms L2142fs.
Identifiers: ClinVar variation 632524 (VCV000632524.7), dbSNP rs1563333973, ClinGen allele CA913189480.